The following is an entry in ClinVar:

ClinVar aggregate classification (germline): Uncertain significance (1 of 4 stars; one submission).

gnomAD v4.1: 1 of 1,613,974 alleles (0.000062%); highest among the groups gnomAD compares: Admixed American, 0.0017%; no homozygotes.

Submission:

Labcorp Genetics (formerly Invitae), Labcorp
Classification: Uncertain significance. Last evaluated: 2024-03-28. Review status: criteria provided, single submitter. Criteria: Invitae Variant Classification Sherloc (09022015). Collection method: clinical testing. Allele origin: germline.
Comment: This sequence change replaces valine, which is neutral and non-polar, with alanine, which is neutral and non-polar, at codon 551 of the MYO5B protein (p.Val551Ala). This variant is present in population databases (no rsID available, gnomAD 0.003%). This variant has not been reported in the literature in individuals affected with MYO5B-related conditions. Advanced modeling of protein sequence and biophysical properties (such as structural, functional, and spatial information, amino acid conservation, physicochemical variation, residue mobility, and thermodynamic stability) performed at Invitae indicates that this missense variant is not expected to disrupt MYO5B protein function with a negative predictive value of 80%. In summary, the available evidence is currently insufficient to determine the role of this variant in disease. Therefore, it has been classified as a Variant of Uncertain Significance.

NM_001080467.3(MYO5B):c.1652T>C (p.Val551Ala)

Gene: MYO5B (myosin VB; minus strand). Cytogenetic location: 18q21.1.
Variant type: single nucleotide variant.
Coding change: c.1652T>C on transcript NM_001080467.3 (MANE Select); coding-DNA position 1652, T replaced by C.
Protein change: p.Val551Ala; replaces valine 551 with alanine.
Molecular consequence: missense variant.
Genome position (GRCh38, 1-based): chr18:49,954,329, A>G on the plus strand (T>C on the coding strand, the complement: MYO5B is on the minus strand). VCF-style: chr18-49954329-A-G. GRCh37 (hg19) VCF-style: chr18-47480699-A-G.
Other names: short protein forms V551A.
Identifiers: ClinVar variation 3695625 (VCV003695625.2).
Genomic context (GRCh38, chr18:49,954,329, plus strand): 5'-AGAGGGGCCAAGGGAATACCCGAGCCAACAGAGAGGAGAGCCACCTTGTCTGCAAAGTGG[A>G]CGATGATGAAGGCCGTGTTGGACATGCGGGGCTTCTGGAAGTGCTGGCTGCTGGAGTGCC-3'
Protein context (NP_001073936.1, residues 541-561): PRMSNTAFII[Val551Ala]HFADKVEYLS